The following is an entry in ClinVar:

NM_133478.3(SLC4A5):c.2667C>A (p.Leu889=)

Gene: SLC4A5 (solute carrier family 4 member 5; minus strand). Cytogenetic location: 2p13.1.
Variant type: single nucleotide variant.
Coding change: c.2667C>A on transcript NM_133478.3 (MANE Select); coding-DNA position 2667, C replaced by A.
Protein change: p.Leu889=; no amino-acid change (leucine 889 retained).
Molecular consequence: synonymous variant.
Genome position (GRCh38, 1-based): chr2:74,232,576, G>T on the plus strand (C>A on the coding strand, the complement: SLC4A5 is on the minus strand). VCF-style: chr2-74232576-G-T. GRCh37 (hg19) VCF-style: chr2-74459703-G-T.
Other names: c.2319C>A, p.Leu773= (NM_001386136.1); c.2667C>A, p.Leu889= (NM_021196.3).
Identifiers: ClinVar variation 3354940 (VCV003354940.1).

ClinVar aggregate classification (germline): Likely benign (0 of 4 stars; one submission).

Conditions:
SLC4A5-related disorder. Also called: SLC4A5-related condition.

gnomAD v4.1: 4 of 1,613,998 alleles (0.00025%); highest among the groups gnomAD compares: Middle Eastern, 0.017%; no homozygotes.

Submission:

PreventionGenetics, part of Exact Sciences
Classification: Likely benign for SLC4A5-related condition. Last evaluated: 2019-09-17. Review status: no assertion criteria provided. Collection method: clinical testing. Allele origin: germline.
Comment: This variant is classified as likely benign based on ACMG/AMP sequence variant interpretation guidelines (Richards et al. 2015 PMID: 25741868, with internal and published modifications).